The following is an entry in ClinVar:

ClinVar aggregate classification (germline): Uncertain significance (1 of 4 stars; one submission).

Allele frequency attached by ClinVar (database versions not stated): ExAC 0.00001; gnomAD exomes 0.00001.
gnomAD v4.1: 17 of 1,614,156 alleles (0.0011%); highest among the groups gnomAD compares: South Asian, 0.0044%; no homozygotes.

Submission:

Labcorp Genetics (formerly Invitae), Labcorp
Classification: Uncertain significance. Last evaluated: 2021-08-24. Review status: criteria provided, single submitter. Criteria: Invitae Variant Classification Sherloc (09022015). Collection method: clinical testing. Allele origin: germline.
Comment: This sequence change replaces arginine with cysteine at codon 2102 of the CAD protein (p.Arg2102Cys). The arginine residue is moderately conserved and there is a large physicochemical difference between arginine and cysteine. This variant is present in population databases (rs769415044, ExAC 0.002%). This variant has not been reported in the literature in individuals affected with CAD-related conditions. Algorithms developed to predict the effect of missense changes on protein structure and function are either unavailable or do not agree on the potential impact of this missense change (SIFT: "Deleterious"; PolyPhen-2: "Benign"; Align-GVGD: "Class C25"). In summary, the available evidence is currently insufficient to determine the role of this variant in disease. Therefore, it has been classified as a Variant of Uncertain Significance.

NM_004341.5(CAD):c.6304C>T (p.Arg2102Cys)

Genes: CAD (carbamoyl-phosphate synthetase 2, aspartate transcarbamylase, and dihydroorotase; plus strand), LOC126806172 (CDK7 strongly-dependent group 2 enhancer GRCh37_chr2:27465505-27466704; plus strand). Cytogenetic location: 2p23.3.
Variant type: single nucleotide variant.
Coding change: c.6304C>T on transcript NM_004341.5 (MANE Select); coding-DNA position 6304, C replaced by T.
Protein change: p.Arg2102Cys; replaces arginine 2102 with cysteine.
Molecular consequence: missense variant.
Genome position (GRCh38, 1-based): chr2:27,242,701, C>T. VCF-style: chr2-27242701-C-T. GRCh37 (hg19) VCF-style: chr2-27465569-C-T.
Other names: c.6115C>T, p.Arg2039Cys (NM_001306079.2); short protein forms R2102C, R2039C.
Identifiers: ClinVar variation 1516865 (VCV001516865.5), dbSNP rs769415044, ClinGen allele CA1574165.